The following is an entry in ClinVar:

NM_001374828.1(ARID1B):c.928_929delinsCC (p.Val310Pro)

Genes: ARID1B (AT-rich interaction domain 1B; plus strand), LOC129997525 (ATAC-STARR-seq lymphoblastoid silent region 17712; plus strand). Cytogenetic location: 6q25.3.
Variant type: Indel.
Coding change: c.928_929delinsCC on transcript NM_001374828.1 (MANE Select); coding-DNA positions 928 to 929, GT replaced by CC.
Protein change: p.Val310Pro; replaces valine 310 with proline.
Molecular consequence: missense variant.
Genome position (GRCh38, 1-based): chr6:156,778,608-156,778,609, GT replaced by CC. VCF-style: chr6-156778608-GT-CC. GRCh37 (hg19) VCF-style: chr6-157099742-GT-CC.
Other names: c.679_680delGTinsCC (NM_020732.3); c.679_680delinsCC, p.Val227Pro (NM_020732.3); c.928_929delinsCC, p.Val310Pro (NM_001371656.1, NM_001374820.1, NM_017519.3); short protein forms V227P, V310P.
Identifiers: ClinVar variation 444704 (VCV000444704.45), dbSNP rs1554247605, ClinGen allele CA658653780.

ClinVar aggregate classification (germline): Conflicting classifications of pathogenicity. Review status: criteria provided, conflicting classifications (1 of 4 stars). 5 submissions from 5 submitters: Uncertain significance (2); Likely benign (3). Last evaluated 2025-09-10.

Conditions:
Inborn genetic diseases. Identifiers: MedGen C0950123, MeSH D030342.
Coffin-Siris syndrome 1 (CSS1). Also called: Mental retardation, autosomal dominant 12; ARID1B-Related Coffin-Siris Syndrome. Identifiers: Orphanet 1465, MedGen C3281201, MONDO:0007617, OMIM 135900. Disease mechanism: gain of function.

Submissions (5):

Labcorp Genetics (formerly Invitae), Labcorp
Classification: Uncertain significance. Last evaluated: 2025-09-10. Review status: criteria provided, single submitter. Criteria: Invitae Variant Classification Sherloc (09022015). Collection method: clinical testing. Allele origin: germline.
Comment: This sequence change replaces valine, which is neutral and non-polar, with proline, which is neutral and non-polar, at codon 227 of the ARID1B protein (p.Val227Pro). This variant is present in population databases (no rsID available, gnomAD 0.006%). This variant has not been reported in the literature in individuals affected with ARID1B-related conditions. ClinVar contains an entry for this variant (Variation ID: 444704). Experimental studies and prediction algorithms are not available or were not evaluated, and the functional significance of this variant is currently unknown. In summary, the available evidence is currently insufficient to determine the role of this variant in disease. Therefore, it has been classified as a Variant of Uncertain Significance.

GeneDx
Classification: Likely benign. Last evaluated: 2022-11-17. Review status: criteria provided, single submitter. Criteria: GeneDx Variant Classification Process June 2021. Collection method: clinical testing. Allele origin: germline. Affected: yes.
Comment: See Variant Classification Assertion Criteria.

CeGaT Center for Human Genetics Tuebingen
Classification: Uncertain significance. Last evaluated: 2022-08-01. Review status: criteria provided, single submitter. Criteria: CeGaT Center For Human Genetics Tuebingen Variant Classification Criteria Version 2. Collection method: clinical testing. Allele origin: germline. Affected: yes. Observed: 1 variant allele.

Genome-Nilou Lab
Classification: Likely benign for Coffin-Siris syndrome 1. Last evaluated: 2021-07-15. Review status: criteria provided, single submitter. Criteria: ACMG Guidelines, 2015. Collection method: clinical testing. Allele origin: germline. Affected: no.

Ambry Genetics
Classification: Likely benign for Inborn genetic diseases. Last evaluated: 2017-08-16. Review status: criteria provided, single submitter. Criteria: Ambry Variant Classification Scheme 2023. Collection method: clinical testing. Allele origin: germline.